The following is an entry in ClinVar:

ClinVar aggregate classification (germline): Uncertain significance (0 of 4 stars; one submission).

Conditions:
KMT2D-related disorder. Also called: KMT2D-Related Disorders.

Submission:

PreventionGenetics, part of Exact Sciences
Classification: Uncertain significance for KMT2D-related condition. Last evaluated: 2024-07-17. Review status: no assertion criteria provided. Collection method: clinical testing. Allele origin: germline.
Comment: The KMT2D c.4378C>G variant is predicted to result in the amino acid substitution p.Pro1460Ala. To our knowledge, this variant has not been reported in the literature or in a large population database, indicating this variant is rare. At this time, the clinical significance of this variant is uncertain due to the absence of conclusive functional and genetic evidence.

NM_003482.4(KMT2D):c.4378C>G (p.Pro1460Ala)

Gene: KMT2D (lysine methyltransferase 2D; minus strand). Cytogenetic location: 12q13.12.
Variant type: single nucleotide variant.
Coding change: c.4378C>G on transcript NM_003482.4 (MANE Select); coding-DNA position 4378, C replaced by G.
Protein change: p.Pro1460Ala; replaces proline 1460 with alanine.
Molecular consequence: missense variant.
Genome position (GRCh38, 1-based): chr12:49,046,649, G>C on the plus strand (C>G on the coding strand, the complement: KMT2D is on the minus strand). VCF-style: chr12-49046649-G-C. GRCh37 (hg19) VCF-style: chr12-49440432-G-C.
Other names: short protein forms P1460A.
Identifiers: ClinVar variation 3353889 (VCV003353889.1).